The following is an entry in ClinVar:

ClinVar aggregate classification (germline): Uncertain significance (1 of 4 stars; one submission).

Conditions:
Congenital myasthenic syndrome 8. Also called: MYASTHENIC SYNDROME, CONGENITAL, DUE TO AGRIN DEFICIENCY; Myasthenic syndrome, congenital, 8, with pre- and postsynaptic defects. Identifiers: Orphanet 590, MedGen C3808739, MONDO:0014052, OMIM 615120.

Allele frequency attached by ClinVar (database versions not stated): gnomAD 0.00001 and 0.00003; TOPMed 0.00001; gnomAD exomes 0.00006; ExAC 0.00008; 1000 Genomes Project 30x 0.00047; 1000 Genomes Project 0.00100.

Submission:

Labcorp Genetics (formerly Invitae), Labcorp
Classification: Uncertain significance for Congenital myasthenic syndrome 8. Last evaluated: 2022-07-12. Review status: criteria provided, single submitter. Criteria: Invitae Variant Classification Sherloc (09022015). Collection method: clinical testing. Allele origin: germline.
Comment: This sequence change replaces proline, which is neutral and non-polar, with leucine, which is neutral and non-polar, at codon 201 of the AGRN protein (p.Pro201Leu). This variant is present in population databases (rs547205625, gnomAD 0.07%). This variant has not been reported in the literature in individuals affected with AGRN-related conditions. ClinVar contains an entry for this variant (Variation ID: 641442). Algorithms developed to predict the effect of missense changes on protein structure and function are either unavailable or do not agree on the potential impact of this missense change (SIFT: "Tolerated"; PolyPhen-2: "Possibly Damaging"; Align-GVGD: "Class C0"). In summary, the available evidence is currently insufficient to determine the role of this variant in disease. Therefore, it has been classified as a Variant of Uncertain Significance.

NM_198576.4(AGRN):c.602C>T (p.Pro201Leu)

Gene: AGRN (agrin; plus strand). Cytogenetic location: 1p36.33.
Variant type: single nucleotide variant.
Coding change: c.602C>T on transcript NM_198576.4 (MANE Select); coding-DNA position 602, C replaced by T.
Protein change: p.Pro201Leu; replaces proline 201 with leucine.
Molecular consequence: missense variant.
Genome position (GRCh38, 1-based): chr1:1,040,755, C>T. VCF-style: chr1-1040755-C-T. GRCh37 (hg19) VCF-style: chr1-976135-C-T.
Other names: c.602C>T, p.Pro201Leu (NM_001305275.2); c.287C>T, p.Pro96Leu (NM_001364727.2); short protein forms P201L, P96L.
Identifiers: ClinVar variation 641442 (VCV000641442.8), dbSNP rs547205625, ClinGen allele CA507884.
Genomic context (GRCh38, chr1:1,040,755, plus strand): 5'-CCGTGTGCGAGCCCAACGCGGAGGGGCCGGGCCGGGCGTCCTGCGTCTGCAAGAAGAGCC[C>T]GTGCCCCAGCGTGGTGGCGCCTGTGTGTGGGTCGGACGCCTCCACCTACAGCAACGAATG-3'
Protein context (NP_940978.2, residues 191-211): GRASCVCKKS[Pro201Leu]CPSVVAPVCG